The following is an entry in ClinVar:

ClinVar aggregate classification (germline): Uncertain significance (1 of 4 stars; one submission).

Conditions:
Hypertrophic cardiomyopathy. Also called: HYPERTROPHIC MYOCARDIOPATHY. Identifiers: Orphanet 217569, MedGen C0007194, MeSH D002312, MONDO:0005045, HP:0001639.

Submission:

Labcorp Genetics (formerly Invitae), Labcorp
Classification: Uncertain significance for Hypertrophic cardiomyopathy. Last evaluated: 2025-11-28. Review status: criteria provided, single submitter. Criteria: Invitae Variant Classification Sherloc (09022015). Collection method: clinical testing. Allele origin: germline.
Comment: This sequence change replaces aspartic acid, which is acidic and polar, with asparagine, which is neutral and polar, at codon 58 of the TPM1 protein (p.Asp58Asn). This variant is not present in population databases (gnomAD no frequency). This missense change has been observed in individual(s) with hypertrophic cardiomyopathy (PMID: 31737537). An algorithm developed to predict the effect of missense changes on protein structure and function (PolyPhen-2) suggests that this variant is likely to be disruptive. In summary, the available evidence is currently insufficient to determine the role of this variant in disease. Therefore, it has been classified as a Variant of Uncertain Significance.

Literature cited by the submitters: PubMed 31737537.

NM_001018005.2(TPM1):c.172G>A (p.Asp58Asn)

Gene: TPM1 (tropomyosin 1; plus strand). Cytogenetic location: 15q22.2.
Variant type: single nucleotide variant.
Coding change: c.172G>A on transcript NM_001018005.2 (MANE Select); coding-DNA position 172, G replaced by A.
Protein change: p.Asp58Asn; replaces aspartic acid 58 with asparagine.
Molecular consequence: missense variant. On other transcripts: non-coding transcript variant (12), intron variant (10).
Genome position (GRCh38, 1-based): chr15:63,044,084, G>A. VCF-style: chr15-63044084-G-A. GRCh37 (hg19) VCF-style: chr15-63336283-G-A.
Other names: c.172G>A, p.Asp58Asn (NM_000366.6, NM_001018004.2, NM_001018006.2 and 10 more transcripts); c.298G>A, p.Asp100Asn (NM_001365778.1, NM_001407322.1, NM_001407323.1 and 1 more transcripts); c.240+253G>A (NM_001407336.1, NM_001018020.2, NM_001407338.1 and 7 more transcripts); short protein forms D100N, D58N.
Identifiers: ClinVar variation 4698290 (VCV004698290.1).